The following is an entry in ClinVar:

NM_001852.4(COL9A2):c.1423G>C (p.Gly475Arg)

Gene: COL9A2 (collagen type IX alpha 2 chain; minus strand). Cytogenetic location: 1p34.2.
Variant type: single nucleotide variant.
Coding change: c.1423G>C on transcript NM_001852.4 (MANE Select); coding-DNA position 1423, G replaced by C.
Protein change: p.Gly475Arg; replaces glycine 475 with arginine.
Molecular consequence: missense variant.
Genome position (GRCh38, 1-based): chr1:40,303,655, C>G on the plus strand (G>C on the coding strand, the complement: COL9A2 is on the minus strand). VCF-style: chr1-40303655-C-G. GRCh37 (hg19) VCF-style: chr1-40769327-C-G.
Other names: short protein forms G475R.
Identifiers: ClinVar variation 2789727 (VCV002789727.3), dbSNP rs201605482, ClinGen allele CA339878802.

ClinVar aggregate classification (germline): Uncertain significance (1 of 4 stars; one submission).

gnomAD v4.1: 5 of 1,537,652 alleles (0.00033%); highest among the groups gnomAD compares: Non-Finnish European, 0.000088%; no homozygotes.

Submission:

Labcorp Genetics (formerly Invitae), Labcorp
Classification: Uncertain significance. Last evaluated: 2025-10-12. Review status: criteria provided, single submitter. Criteria: Invitae Variant Classification Sherloc (09022015). Collection method: clinical testing. Allele origin: germline.
Comment: This sequence change replaces glycine, which is neutral and non-polar, with arginine, which is basic and polar, at codon 475 of the COL9A2 protein (p.Gly475Arg). This variant is present in population databases (no rsID available, gnomAD 0.04%). This variant has not been reported in the literature in individuals affected with COL9A2-related conditions. ClinVar contains an entry for this variant (Variation ID: 2789727). Invitae Evidence Modeling of protein sequence and biophysical properties (such as structural, functional, and spatial information, amino acid conservation, physicochemical variation, residue mobility, and thermodynamic stability) indicates that this missense variant is expected to disrupt COL9A2 protein function with a positive predictive value of 95%. In summary, the available evidence is currently insufficient to determine the role of this variant in disease. Therefore, it has been classified as a Variant of Uncertain Significance.